The following is an entry in ClinVar:

ClinVar aggregate classification (germline): Uncertain significance (1 of 4 stars; one submission).

Submission:

Labcorp Genetics (formerly Invitae), Labcorp
Classification: Uncertain significance. Last evaluated: 2019-12-04. Review status: criteria provided, single submitter. Criteria: Invitae Variant Classification Sherloc (09022015). Collection method: clinical testing. Allele origin: germline.
Comment: In summary, the available evidence is currently insufficient to determine the role of this variant in disease. Therefore, it has been classified as a Variant of Uncertain Significance. Algorithms developed to predict the effect of missense changes on protein structure and function (SIFT, PolyPhen-2, Align-GVGD) all suggest that this variant is likely to be tolerated, but these predictions have not been confirmed by published functional studies and their clinical significance is uncertain. This variant has not been reported in the literature in individuals with EYS-related conditions. This variant is not present in population databases (ExAC no frequency). This sequence change replaces glutamine with lysine at codon 576 of the EYS protein (p.Gln576Lys). The glutamine residue is moderately conserved and there is a small physicochemical difference between glutamine and lysine.

NM_001142800.2(EYS):c.1726C>A (p.Gln576Lys)

Gene: EYS (EGF-like photoreceptor maintenance factor; minus strand). Cytogenetic location: 6q12.
Variant type: single nucleotide variant.
Coding change: c.1726C>A on transcript NM_001142800.2 (MANE Select); coding-DNA position 1726, C replaced by A.
Protein change: p.Gln576Lys; replaces glutamine 576 with lysine.
Molecular consequence: missense variant.
Genome position (GRCh38, 1-based): chr6:65,335,020, G>T on the plus strand (C>A on the coding strand, the complement: EYS is on the minus strand). VCF-style: chr6-65335020-G-T. GRCh37 (hg19) VCF-style: chr6-66044913-G-T.
Other names: c.1726C>A, p.Gln576Lys (NM_001292009.2, NM_198283.2, NM_001142801.2); short protein forms Q576K.
Identifiers: ClinVar variation 848173 (VCV000848173.9), dbSNP rs1769931367, ClinGen allele CA364660990.